The following is an entry in ClinVar:

NM_001267550.2(TTN):c.101211C>T (p.Leu33737=)

Genes: TTN (titin; minus strand), TTN-AS1 (TTN antisense RNA 1; plus strand). Cytogenetic location: 2q31.2.
Variant type: single nucleotide variant.
Coding change: c.101211C>T on transcript NM_001267550.2 (MANE Select); coding-DNA position 101211, C replaced by T.
Protein change: p.Leu33737=; no amino-acid change (leucine 33737 retained).
Molecular consequence: synonymous variant.
Genome position (GRCh38, 1-based): chr2:178,535,404, G>A on the plus strand (C>T on the coding strand, the complement: TTN is on the minus strand). VCF-style: chr2-178535404-G-A. GRCh37 (hg19) VCF-style: chr2-179400131-G-A.
Other names: c.96288C>T, p.Leu32096= (NM_001256850.1); c.74016C>T, p.Leu24672= (NM_003319.4); c.93507C>T, p.Leu31169= (NM_133378.4); c.74391C>T, p.Leu24797= (NM_133432.3); c.74592C>T, p.Leu24864= (NM_133437.4).
Identifiers: ClinVar variation 192197 (VCV000192197.1), dbSNP rs786205333, ClinGen allele CA200055.

ClinVar aggregate classification (germline): Benign (1 of 4 stars; one submission).

Submission:

Biesecker Lab/Clinical Genomics Section, National Institutes of Health
Classification: Benign. Last evaluated: 2013-06-24. Review status: criteria provided, single submitter. Criteria: Ng et al. (Circ Cardiovasc Genet. 2013). Collection method: research. Allele origin: unknown. Observed: 5 variant alleles. Study: ClinSeq.
Comment: The study set was not selected for affection status in relation to any cancer. Pathogenicity categories were based on literature curation. See Pubmed ID:23861362 for details.

Medical sequencing